The following is an entry in ClinVar:

ClinVar aggregate classification (germline): Pathogenic (1 of 4 stars; one submission).

Conditions:
Familial adenomatous polyposis 1 (FAP1). Also called: FAMILIAL ADENOMATOUS POLYPOSIS 1, ATTENUATED; POLYPOSIS, ADENOMATOUS INTESTINAL. Identifiers: MedGen C2713442, MONDO:0021056, OMIM 175100. Disease mechanism: loss of function.

Submission:

Myriad Genetics, Inc.
Classification: Pathogenic for Familial adenomatous polyposis 1. Last evaluated: 2023-05-11. Review status: criteria provided, single submitter. Criteria: Myriad Autosomal Dominant, Autosomal Recessive and X-Linked Classification Criteria (2023). Collection method: clinical testing. Allele origin: unknown.
Comment: This variant is considered pathogenic. This variant creates a frameshift predicted to result in premature protein truncation.

NM_000038.6(APC):c.4689_4695del (p.Leu1564fs)

Gene: APC (APC regulator of Wnt signaling pathway; plus strand). Cytogenetic location: 5q22.2.
Variant type: Deletion.
Coding change: c.4689_4695del on transcript NM_000038.6 (MANE Select); coding-DNA positions 4689 to 4695, 7 bases deleted (ATTAGAT; older notation c.4689_4695delATTAGAT).
Protein change: p.Leu1564fs; shifts the reading frame from leucine 1564.
Molecular consequence: frameshift variant. On other transcripts: non-coding transcript variant (2).
Genome position (GRCh38, 1-based): chr5:112,840,283-112,840,289, ATTAGAT deleted; deleting any 7 consecutive bases within chr5:112,840,282-112,840,289 gives the same sequence; the c. name uses the placement nearest the transcript's 3' end. VCF-style (leftmost placement, unchanged base first): chr5-112840281-CTATTAGA-C. GRCh37 (hg19) VCF-style: chr5-112175978-CTATTAGA-C.
Other names: c.4689_4695del, p.Leu1564fs (NM_001127510.3, NM_001354895.2, NM_001407450.1); c.4635_4641del, p.Leu1546fs (NM_001127511.3); c.4743_4749del, p.Leu1582fs (NM_001354896.2, NM_001407447.1, NM_001407448.1 and 1 more transcripts); c.4719_4725del, p.Leu1574fs (NM_001354897.2); c.4614_4620del, p.Leu1539fs (NM_001354898.2); c.4605_4611del, p.Leu1536fs (NM_001354899.2); c.4566_4572del, p.Leu1523fs (NM_001354900.2); c.4512_4518del, p.Leu1505fs (NM_001354901.2, NM_001407453.1); and 11 more; short protein forms L1281fs, L1404fs, L1435fs, L1438fs, L1463fs, L1473fs, L1481fs, L1505fs.
Identifiers: ClinVar variation 2583864 (VCV002583864.2), dbSNP rs2533592622, ClinGen allele CA2582341343.